The following is an entry in ClinVar:

ClinVar aggregate classification (germline): Uncertain significance (1 of 4 stars; one submission).

Conditions:
Hereditary cancer-predisposing syndrome. Also called: Neoplastic Syndromes, Hereditary; Hereditary Cancer Syndrome; Tumor predisposition; Hereditary neoplastic syndrome. Identifiers: Orphanet 140162, MedGen C0027672, MeSH D009386, MONDO:0015356.

Submission:

Ambry Genetics
Classification: Uncertain significance for Hereditary cancer-predisposing syndrome. Last evaluated: 2022-11-23. Review status: criteria provided, single submitter. Criteria: Ambry Variant Classification Scheme 2023. Collection method: clinical testing. Allele origin: germline.
Comment: The p.F1088C variant (also known as c.3263T>G), located in coding exon 22 of the PDGFRA gene, results from a T to G substitution at nucleotide position 3263. The phenylalanine at codon 1088 is replaced by cysteine, an amino acid with highly dissimilar properties. This amino acid position is conserved. In addition, the in silico prediction for this alteration is inconclusive. Since supporting evidence is limited at this time, the clinical significance of this alteration remains unclear.

NM_006206.6(PDGFRA):c.3263T>G (p.Phe1088Cys)

Gene: PDGFRA (platelet derived growth factor receptor alpha; plus strand). Cytogenetic location: 4q12.
Variant type: single nucleotide variant.
Coding change: c.3263T>G on transcript NM_006206.6 (MANE Select); coding-DNA position 3263, T replaced by G.
Protein change: p.Phe1088Cys; replaces phenylalanine 1088 with cysteine.
Molecular consequence: missense variant.
Genome position (GRCh38, 1-based): chr4:54,295,265, T>G. VCF-style: chr4-54295265-T-G. GRCh37 (hg19) VCF-style: chr4-55161432-T-G.
Other names: c.3338T>G, p.Phe1113Cys (NM_001347828.2); c.3263T>G, p.Phe1088Cys (NM_001347829.2); c.3302T>G, p.Phe1101Cys (NM_001347830.2); short protein forms F1088C, F1113C, F1101C.
Identifiers: ClinVar variation 2447481 (VCV002447481.2), dbSNP rs2475579479, ClinGen allele CA356896752.
Genomic context (GRCh38, chr4:54,295,265, plus strand): 5'-AAGACATCGACATGATGGATGACATCGGCATAGACTCTTCAGACCTGGTGGAAGACAGCT[T>G]CCTGTAACTGGCGGATTCGAGGGGTTCCTTCCACTTCTGGGGCCACCTCTGGATCCCGTT-3'
Protein context (NP_006197.1, residues 1078-1089): IDSSDLVEDS[Phe1088Cys]L